The following is an entry in ClinVar:

ClinVar aggregate classification (germline): Conflicting classifications of pathogenicity. Review status: criteria provided, conflicting classifications (1 of 4 stars). 3 submissions from 3 submitters: Uncertain significance (1); Likely benign (1). 1 of the submissions does not count toward it. Last evaluated 2026-01-19.

Conditions:
PEX3-related disorder. Also called: PEX3-related condition.

Allele frequency attached by ClinVar (database versions not stated): gnomAD 0.00001; TOPMed 0.00001.
gnomAD v4.1: 11 of 1,600,662 alleles (0.00069%); highest among the groups gnomAD compares: East Asian, 0.0089%; no homozygotes.

Submissions (3):

Labcorp Genetics (formerly Invitae), Labcorp
Classification: Likely benign. Last evaluated: 2026-01-19. Review status: criteria provided, single submitter. Criteria: Invitae Variant Classification Sherloc (09022015). Collection method: clinical testing. Allele origin: germline.

Eurofins Ntd Llc (ga)
Classification: Uncertain significance. Last evaluated: 2017-07-19. Review status: criteria provided, single submitter. Criteria: EGL Classification Definitions 2015. Collection method: clinical testing. Allele origin: germline. Observed: 1 variant allele, 1 heterozygote.

PreventionGenetics, part of Exact Sciences
Classification: Likely benign for PEX3-related condition. Last evaluated: 2022-01-03. Review status: no assertion criteria provided. Collection method: clinical testing. Allele origin: germline. Not counted in ClinVar's aggregate classification.
Comment: This variant is classified as likely benign based on ACMG/AMP sequence variant interpretation guidelines (Richards et al. 2015 PMID: 25741868, with internal and published modifications).

NM_003630.3(PEX3):c.513A>G (p.Leu171=)

Gene: PEX3 (peroxisomal biogenesis factor 3; plus strand). Cytogenetic location: 6q24.2.
Variant type: single nucleotide variant.
Coding change: c.513A>G on transcript NM_003630.3 (MANE Select); coding-DNA position 513, A replaced by G.
Protein change: p.Leu171=; no amino-acid change (leucine 171 retained).
Molecular consequence: synonymous variant.
Genome position (GRCh38, 1-based): chr6:143,471,439, A>G. VCF-style: chr6-143471439-A-G. GRCh37 (hg19) VCF-style: chr6-143792576-A-G.
Other names: c.513A>G (NM_003630.2).
Identifiers: ClinVar variation 593320 (VCV000593320.14), dbSNP rs769938240, ClinGen allele CA4029593.
Genomic context (GRCh38, chr6:143,471,439, plus strand): 5'-ACAGACAATTCTTGCTCCCCCAGATGTCCAACAGCAGTATTTATCAAGTATTCAGCACCT[A>G]CTTGGAGATGGTAAGATTCTTATTTGTGACTTTTATACTAATTTTAATTCATTTATTTTT-3'
Protein context (NP_003621.1, residues 161-181): QQQYLSSIQH[Leu171=]LGDGLTELIT